The following is an entry in ClinVar:

ClinVar aggregate classification (germline): Uncertain significance (1 of 4 stars; one submission).

Allele frequency attached by ClinVar (database versions not stated): gnomAD exomes below 0.00001; gnomAD 0.00001; TOPMed 0.00002; ESP Exome Variant Server 0.00008.
gnomAD v4.1: 6 of 1,613,484 alleles (0.00037%); highest among the groups gnomAD compares: African/African-American, 0.0027%; no homozygotes.

Submission:

Labcorp Genetics (formerly Invitae), Labcorp
Classification: Uncertain significance. Last evaluated: 2022-07-31. Review status: criteria provided, single submitter. Criteria: Invitae Variant Classification Sherloc (09022015). Collection method: clinical testing. Allele origin: germline.
Comment: In summary, the available evidence is currently insufficient to determine the role of this variant in disease. Therefore, it has been classified as a Variant of Uncertain Significance. Algorithms developed to predict the effect of missense changes on protein structure and function are either unavailable or do not agree on the potential impact of this missense change (SIFT: "Tolerated"; PolyPhen-2: "Possibly Damaging"; Align-GVGD: "Class C0"). This variant has not been reported in the literature in individuals affected with PRKCSH-related conditions. This variant is not present in population databases (gnomAD no frequency). This sequence change replaces aspartic acid, which is acidic and polar, with asparagine, which is neutral and polar, at codon 456 of the PRKCSH protein (p.Asp456Asn).

NM_001289104.2(PRKCSH):c.1387G>A (p.Asp463Asn)

Gene: PRKCSH (PRKCSH beta subunit of glucosidase II; plus strand). Cytogenetic location: 19p13.2.
Variant type: single nucleotide variant.
Coding change: c.1387G>A on transcript NM_001289104.2 (MANE Select); coding-DNA position 1387, G replaced by A.
Protein change: p.Asp463Asn; replaces aspartic acid 463 with asparagine.
Molecular consequence: missense variant.
Genome position (GRCh38, 1-based): chr19:11,449,101, G>A. VCF-style: chr19-11449101-G-A. GRCh37 (hg19) VCF-style: chr19-11559916-G-A.
Other names: c.1357G>A, p.Asp453Asn (NM_001001329.3, NM_001289102.2, NM_001379609.1); c.1387G>A, p.Asp463Asn (NM_001289103.2); c.1366G>A, p.Asp456Asn (NM_001379608.1, NM_002743.3); short protein forms D453N, D456N, D463N.
Identifiers: ClinVar variation 2023398 (VCV002023398.4), dbSNP rs372962672, ClinGen allele CA305357399.